The following is an entry in ClinVar:

ClinVar aggregate classification (germline): Uncertain significance. Review status: criteria provided, multiple submitters, no conflicts (2 of 4 stars). 2 submissions from 2 submitters: Uncertain significance (2). Last evaluated 2022-12-21.

Conditions:
Hereditary spastic paraplegia 8 (SPG8). Also called: SPASTIC PARAPLEGIA 8, AUTOSOMAL DOMINANT. Identifiers: Orphanet 100989, MedGen C1863704, MONDO:0011339, OMIM 603563.
Ritscher-Schinzel syndrome. Also called: CRANIOCEREBELLOCARDIAC DYSPLASIA. Identifiers: Orphanet 7, MedGen C0796137, MONDO:0019078.

Allele frequency attached by ClinVar (database versions not stated): ExAC 0.00002; gnomAD exomes 0.00001 and below 0.00001.
gnomAD v4.1: 3 of 1,613,908 alleles (0.00019%); highest among the groups gnomAD compares: Non-Finnish European, 0.00025%; no homozygotes.

Submissions (2):

GeneDx
Classification: Uncertain significance. Last evaluated: 2022-12-21. Review status: criteria provided, single submitter. Criteria: GeneDx Variant Classification Process June 2021. Collection method: clinical testing. Allele origin: germline. Affected: yes.
Comment: Not observed at significant frequency in large population cohorts (gnomAD); In silico analysis supports that this missense variant does not alter protein structure/function; Has not been previously published as pathogenic or benign to our knowledge

Labcorp Genetics (formerly Invitae), Labcorp
Classification: Uncertain significance for Ritscher-Schinzel syndrome; Hereditary spastic paraplegia 8. Last evaluated: 2020-02-07. Review status: criteria provided, single submitter. Criteria: Invitae Variant Classification Sherloc (09022015). Collection method: clinical testing. Allele origin: germline.
Comment: In summary, the available evidence is currently insufficient to determine the role of this variant in disease. Therefore, it has been classified as a Variant of Uncertain Significance. Algorithms developed to predict the effect of missense changes on protein structure and function (SIFT, PolyPhen-2, Align-GVGD) all suggest that this variant is likely to be tolerated, but these predictions have not been confirmed by published functional studies and their clinical significance is uncertain. This variant has not been reported in the literature in individuals with WASHC5-related conditions. This variant is present in population databases (rs766713240, ExAC 0.003%). This sequence change replaces serine with proline at codon 433 of the WASHC5 protein (p.Ser433Pro). The serine residue is moderately conserved and there is a moderate physicochemical difference between serine and proline.

NM_014846.4(WASHC5):c.1297T>C (p.Ser433Pro)

Gene: WASHC5 (WASH complex subunit 5; minus strand). Cytogenetic location: 8q24.13.
Variant type: single nucleotide variant.
Coding change: c.1297T>C on transcript NM_014846.4 (MANE Select); coding-DNA position 1297, T replaced by C.
Protein change: p.Ser433Pro; replaces serine 433 with proline.
Molecular consequence: missense variant.
Genome position (GRCh38, 1-based): chr8:125,063,633, A>G on the plus strand (T>C on the coding strand, the complement: WASHC5 is on the minus strand). VCF-style: chr8-125063633-A-G. GRCh37 (hg19) VCF-style: chr8-126075875-A-G.
Other names: c.853T>C, p.Ser285Pro (NM_001330609.2); short protein forms S285P, S433P.
Identifiers: ClinVar variation 655495 (VCV000655495.11), dbSNP rs766713240, ClinGen allele CA4873869.
Genomic context (GRCh38, chr8:125,063,633, plus strand): 5'-GCTCAGTCATCCGCTCCGAACCCTCTTTCTTGTAATGCTCCCATTTGGTTTGCTTTTCTG[A>G]AAGCATTTGCTTGAACATCTGTTGAAGCAACAGAAAATATTTATTTACTTAAGAGAAAAA-3'
Protein context (NP_055661.3, residues 423-443): ILKEMFKQML[Ser433Pro]EKQTKWEHYK